The following is an entry in ClinVar:

ClinVar aggregate classification (germline): Pathogenic (1 of 4 stars; one submission).

Submission:

Labcorp Genetics (formerly Invitae), Labcorp
Classification: Pathogenic. Last evaluated: 2024-01-22. Review status: criteria provided, single submitter. Criteria: Invitae Variant Classification Sherloc (09022015). Collection method: clinical testing. Allele origin: germline.
Comment: This sequence change creates a premature translational stop signal (p.Tyr242Serfs*5) in the GORAB gene. While this is not anticipated to result in nonsense mediated decay, it is expected to disrupt the last 153 amino acid(s) of the GORAB protein. This variant is not present in population databases (gnomAD no frequency). This variant has not been reported in the literature in individuals affected with GORAB-related conditions. This variant disrupts a region of the GORAB protein in which other variant(s) (p.Arg287*) have been determined to be pathogenic (PMID: 18997784, 31829210). This suggests that this is a clinically significant region of the protein, and that variants that disrupt it are likely to be disease-causing. For these reasons, this variant has been classified as Pathogenic.

Literature cited by the submitters: PubMed 18997784; PubMed 31829210.

NM_152281.3(GORAB):c.650_660del (p.Tyr217fs)

Gene: GORAB (golgin, RAB6 interacting; plus strand). Cytogenetic location: 1q24.2.
Variant type: Deletion.
Coding change: c.650_660del on transcript NM_152281.3 (MANE Select); coding-DNA positions 650 to 660, 11 bases deleted (ATTCATACGCT).
Protein change: p.Tyr217fs; shifts the reading frame from tyrosine 217.
Molecular consequence: frameshift variant. On other transcripts: non-coding transcript variant (1).
Genome position (GRCh38, 1-based): chr1:170,544,833-170,544,843, ATTCATACGCT deleted; deleting any 11 consecutive bases within chr1:170,544,831-170,544,843 gives the same sequence; the c. name uses the placement nearest the transcript's 3' end. VCF-style (leftmost placement, unchanged base first): chr1-170544830-ACTATTCATACG-A. GRCh37 (hg19) VCF-style: chr1-170513971-ACTATTCATACG-A.
Other names: c.650_660del, p.Tyr217fs (NM_001146039.2); c.185_195del, p.Tyr62fs (NM_001320252.2); c.599_609del, p.Tyr200fs (NM_001410894.1); short protein forms Y200fs, Y62fs, Y217fs.
Identifiers: ClinVar variation 2710660 (VCV002710660.3), dbSNP rs2525948734, ClinGen allele CA2697554656.
Genomic context (GRCh38, chr1:170,544,830, plus strand): 5'-ATGACATGGTGTCAGCTGACATTGGAATTCTCAGGAACCGGATTGATCAGGCCAGCTTAG[ACTATTCATACG>A]CTCGGTGAGTTGGGGAAATTGAATCTGAACAAGGAGTATGATTTAATTAATGTTTATTGC-3'